The following is an entry in ClinVar:

NM_001458.5(FLNC):c.6998-3C>G

Genes: FLNC (filamin C; plus strand), FLNC-AS1 (FLNC antisense RNA 1; minus strand). Cytogenetic location: 7q32.1.
Variant type: single nucleotide variant.
Coding change: c.6998-3C>G on transcript NM_001458.5 (MANE Select); 3 bases into the intron before coding-DNA position 6998, C replaced by G.
Molecular consequence: intron variant.
Genome position (GRCh38, 1-based): chr7:128,854,772, C>G. VCF-style: chr7-128854772-C-G. GRCh37 (hg19) VCF-style: chr7-128494826-C-G.
Other names: c.6899-3C>G (NM_001127487.2).
Identifiers: ClinVar variation 5037866 (VCV005037866.1).
Genomic context (GRCh38, chr7:128,854,772, plus strand): 5'-GAAGTCAGGGCAGCCAGTGTGAGGGGCGATGATGCTGAAGTCCACTACCTTGCCTGTCCC[C>G]AGCCGAGTTCAGCATCTGGACCCGGGAGGCTGGCGCTGGGGGCCTGTCCATTGCTGTGGA-3'

ClinVar aggregate classification (germline): Uncertain significance (1 of 4 stars; one submission).

Conditions:
Cardiovascular phenotype. Identifiers: MedGen CN230736.

Submission:

Molecular Diagnostic Laboratory for Inherited Cardiovascular Disease, Montreal Heart Institute
Classification: Uncertain significance for Cardiovascular phenotype. Last evaluated: 2026-09-21. Review status: criteria provided, single submitter. Criteria: ACMG Guidelines, 2015. Collection method: clinical testing. Allele origin: germline. Affected: yes.
Comment: PVS1_mod, PM2